The following is an entry in ClinVar:

ClinVar aggregate classification (germline): Uncertain significance. Review status: criteria provided, multiple submitters, no conflicts (2 of 4 stars). 3 submissions from 3 submitters: Uncertain significance (3). Last evaluated 2024-09-19.

Conditions:
Hereditary cancer-predisposing syndrome. Also called: Hereditary neoplastic syndrome; Neoplastic Syndromes, Hereditary; Tumor predisposition; Hereditary Cancer Syndrome. Identifiers: Orphanet 140162, MedGen C0027672, MeSH D009386, MONDO:0015356.
Hereditary breast ovarian cancer syndrome. Also called: Hereditary breast and ovarian cancer syndrome; Hereditary breast and/or ovarian cancer syndrome; Hereditary breast and ovarian cancer; Hereditary breast and ovarian cancer syndrome (HBOC); Breast and ovarian cancer; BRCA1- and BRCA2-Associated Hereditary Breast and Ovarian Cancer. Identifiers: Orphanet 145, MedGen C0677776, MeSH D061325, MONDO:0003582. Disease mechanism: loss of function.

Submissions (3):

Labcorp Genetics (formerly Invitae), Labcorp
Classification: Uncertain significance for Hereditary breast ovarian cancer syndrome. Last evaluated: 2024-09-19. Review status: criteria provided, single submitter. Criteria: Invitae Variant Classification Sherloc (09022015). Collection method: clinical testing. Allele origin: germline.
Comment: This sequence change replaces glutamic acid, which is acidic and polar, with aspartic acid, which is acidic and polar, at codon 1478 of the BRCA1 protein (p.Glu1478Asp). This variant is not present in population databases (gnomAD no frequency). This variant has not been reported in the literature in individuals affected with BRCA1-related conditions. ClinVar contains an entry for this variant (Variation ID: 1035284). Invitae Evidence Modeling of protein sequence and biophysical properties (such as structural, functional, and spatial information, amino acid conservation, physicochemical variation, residue mobility, and thermodynamic stability) indicates that this missense variant is not expected to disrupt BRCA1 protein function with a negative predictive value of 95%. In summary, the available evidence is currently insufficient to determine the role of this variant in disease. Therefore, it has been classified as a Variant of Uncertain Significance.

Ambry Genetics
Classification: Uncertain significance for Hereditary cancer-predisposing syndrome. Last evaluated: 2023-03-23. Review status: criteria provided, single submitter. Criteria: Ambry Variant Classification Scheme 2023. Collection method: clinical testing. Allele origin: germline.
Comment: The p.E1478D variant (also known as c.4434G>T), located in coding exon 12 of the BRCA1 gene, results from a G to T substitution at nucleotide position 4434. The glutamic acid at codon 1478 is replaced by aspartic acid, an amino acid with highly similar properties. This amino acid position is poorly conserved in available vertebrate species. In addition, this alteration is predicted to be tolerated by in silico analysis. Since supporting evidence is limited at this time, the clinical significance of this alteration remains unclear.

Color Diagnostics, LLC DBA Color Health
Classification: Uncertain significance for Hereditary cancer-predisposing syndrome. Last evaluated: 2021-03-23. Review status: criteria provided, single submitter. Criteria: ACMG Guidelines, 2015. Collection method: clinical testing. Allele origin: germline.
Comment: This missense variant replaces glutamic acid with aspartic acid at codon 1478 of the BRCA1 protein. Computational prediction suggests that this variant may not impact protein structure and function (internally defined REVEL score threshold <= 0.5, PMID: 27666373). To our knowledge, functional studies have not been reported for this variant. This variant has not been reported in individuals affected with hereditary cancer in the literature. This variant has not been identified in the general population by the Genome Aggregation Database (gnomAD). The available evidence is insufficient to determine the role of this variant in disease conclusively. Therefore, this variant is classified as a Variant of Uncertain Significance.

NM_007294.4(BRCA1):c.4434G>T (p.Glu1478Asp)

Gene: BRCA1 (BRCA1 DNA repair associated; minus strand). Cytogenetic location: 17q21.31.
Variant type: single nucleotide variant.
Coding change: c.4434G>T on transcript NM_007294.4 (MANE Select); coding-DNA position 4434, G replaced by T.
Protein change: p.Glu1478Asp; replaces glutamic acid 1478 with aspartic acid.
Molecular consequence: missense variant. On other transcripts: non-coding transcript variant (1).
Genome position (GRCh38, 1-based): chr17:43,076,538, C>A on the plus strand (G>T on the coding strand, the complement: BRCA1 is on the minus strand). VCF-style: chr17-43076538-C-A. GRCh37 (hg19) VCF-style: chr17-41228555-C-A.
Other names: c.4428G>T, p.Glu1476Asp (NM_001407636.1, NM_001407637.1, NM_001407638.1 and 14 more transcripts); c.4425G>T, p.Glu1475Asp (NM_001407644.1, NM_001407645.1); c.4422G>T, p.Glu1474Asp (NM_001407646.1); c.4419G>T, p.Glu1473Asp (NM_001407647.1); c.4377G>T, p.Glu1459Asp (NM_001407648.1); c.4374G>T, p.Glu1458Asp (NM_001407649.1); c.4350G>T, p.Glu1450Asp (NM_001407661.1, NM_001407662.1, NM_001407663.1 and 2 more transcripts); c.4311G>T, p.Glu1437Asp (NM_001407668.1, NM_001407669.1, NM_001407664.1 and 6 more transcripts); and 68 more; short protein forms E374D, E1431D, E1478D, E1499D, E1365D, E1388D, E1407D, E1434D.
Identifiers: ClinVar variation 1035284 (VCV001035284.14), dbSNP rs1555582594, ClinGen allele CA10592666.